The following is an entry in ClinVar:

ClinVar aggregate classification (germline): Pathogenic (1 of 4 stars; one submission).

Submission:

GeneDx
Classification: Pathogenic. Last evaluated: 2018-01-08. Review status: criteria provided, single submitter. Criteria: GeneDx Variant Classification (06012015). Collection method: clinical testing. Allele origin: germline. Affected: yes.
Comment: The c.2616_2623delCTCTCAAA variant in the SON gene has not been reported previously as a pathogenic variant nor as a benign variant, to our knowledge. The c.2616_2623delCTCTCAAA variant causes a frameshift starting with codon Serine 873, changes this amino acid to a Valine residue, and creates a premature Stop codon at position 24 of the new reading frame, denoted p.Ser873ValfsX24. This variant is predicted to cause loss of normal protein function either through protein truncation or nonsense-mediated mRNA decay. The c.2616_2623delCTCTCAAA variant is not observed in large population cohorts (Lek et al., 2016). We interpret c.2616_2623delCTCTCAAA as a pathogenic variant.

NM_138927.4(SON):c.2616_2623del (p.Ser873fs)

Gene: SON (SON DNA and RNA binding protein; plus strand). Cytogenetic location: 21q22.11.
Variant type: Deletion.
Coding change: c.2616_2623del on transcript NM_138927.4 (MANE Select); coding-DNA positions 2616 to 2623, 8 bases deleted (CTCTCAAA; older notation c.2616_2623delCTCTCAAA).
Protein change: p.Ser873fs; shifts the reading frame from serine 873.
Molecular consequence: frameshift variant. On other transcripts: non-coding transcript variant (1), intron variant (1).
Genome position (GRCh38, 1-based): chr21:33,551,847-33,551,854, CTCTCAAA deleted; deleting any 8 consecutive bases within chr21:33,551,846-33,551,854 gives the same sequence; the c. name uses the placement nearest the transcript's 3' end. VCF-style (leftmost placement, unchanged base first): chr21-33551845-GACTCTCAA-G. GRCh37 (hg19) VCF-style: chr21-34924151-GACTCTCAA-G.
Other names: c.2616_2623delCTCTCAAA (NM_032195.2); c.2616_2623del, p.Ser873fs (NM_001291411.2, NM_032195.3); c.245-5309_245-5302del (NM_001291412.3); short protein forms S873fs.
Identifiers: ClinVar variation 503985 (VCV000503985.2), dbSNP rs1555898622, ClinGen allele CA658799420.
Genomic context (GRCh38, chr21:33,551,845, plus strand): 5'-GACTCCCAGATGTTAGCAACTAGCTCAATGGATTCCCAGATGTTAGCATCTGGCACTATG[GACTCTCAA>G]ATGTTAGCTTCTGGCACCATGGATGCTCAGATGTTAGCGTCTGGTACCATGGATGCCCAG-3'